The following is an entry in ClinVar:

ClinVar aggregate classification (germline): Uncertain significance. Review status: criteria provided, multiple submitters, no conflicts (2 of 4 stars). 3 submissions from 3 submitters: Uncertain significance (3). Last evaluated 2024-03-06.

Conditions:
Thyroid dyshormonogenesis 6 (TDH6). Also called: HYPOTHYROIDISM, CONGENITAL, DUE TO DYSHORMONOGENESIS, 6; Genetic transient congenital hypothyroidism; THYROID HORMONOGENESIS, GENETIC DEFECT IN, 6. Identifiers: Orphanet 226316, Orphanet 95716, MedGen C1846632, MONDO:0011792, OMIM 607200.

Submissions (3):

Labcorp Genetics (formerly Invitae), Labcorp
Classification: Uncertain significance. Last evaluated: 2024-03-06. Review status: criteria provided, single submitter. Criteria: Invitae Variant Classification Sherloc (09022015). Collection method: clinical testing. Allele origin: germline.
Comment: This sequence change replaces proline, which is neutral and non-polar, with arginine, which is basic and polar, at codon 142 of the DUOX2 protein (p.Pro142Arg). This variant is not present in population databases (gnomAD no frequency). This missense change has been observed in individual(s) with congenital hypothyroidism (PMID: 35507000). In at least one individual the data is consistent with being in trans (on the opposite chromosome) from a pathogenic variant. ClinVar contains an entry for this variant (Variation ID: 1687376). Advanced modeling of protein sequence and biophysical properties (such as structural, functional, and spatial information, amino acid conservation, physicochemical variation, residue mobility, and thermodynamic stability) performed at Invitae indicates that this missense variant is not expected to disrupt DUOX2 protein function with a negative predictive value of 80%. In summary, the available evidence is currently insufficient to determine the role of this variant in disease. Therefore, it has been classified as a Variant of Uncertain Significance.

3billion
Classification: Uncertain significance for Thyroid dyshormonogenesis 6. Last evaluated: 2022-05-22. Review status: criteria provided, single submitter. Criteria: ACMG Guidelines, 2015. Collection method: clinical testing. Allele origin: germline. Affected: yes. Observed: 1 heterozygote.
Comment: The variant is not observed in the gnomAD v2.1.1 dataset. In silico tool predictions suggest no damaging effect of the variant on gene or gene product (REVEL: 0.12; 3Cnet: 0.02). Therefore, this variant is classified as uncertain significanceaccording to the recommendation of ACMG/AMP guideline.

Laboratorio de Genetica e Diagnostico Molecular, Hospital Israelita Albert Einstein
Classification: Uncertain significance. Last evaluated: 2021-12-09. Review status: criteria provided, single submitter. Criteria: ACMG Guidelines, 2015. Collection method: clinical testing. Allele origin: germline. Affected: yes.
Comment: ACMG classification criteria: PM2, BP4

Literature cited by the submitters: PubMed 35507000 (cited by Labcorp Genetics (formerly Invitae), Labcorp).

NM_001363711.2(DUOX2):c.425C>G (p.Pro142Arg)

Gene: DUOX2 (dual oxidase 2; minus strand). Cytogenetic location: 15q21.1.
Variant type: single nucleotide variant.
Coding change: c.425C>G on transcript NM_001363711.2 (MANE Select); coding-DNA position 425, C replaced by G.
Protein change: p.Pro142Arg; replaces proline 142 with arginine.
Molecular consequence: missense variant.
Genome position (GRCh38, 1-based): chr15:45,111,856, G>C on the plus strand (C>G on the coding strand, the complement: DUOX2 is on the minus strand). VCF-style: chr15-45111856-G-C. GRCh37 (hg19) VCF-style: chr15-45404054-G-C.
Other names: c.425C>G, p.Pro142Arg (NM_014080.5); short protein forms P142R.
Identifiers: ClinVar variation 1687376 (VCV001687376.5), dbSNP rs1894429162, ClinGen allele CA392279338.